The following is an entry in ClinVar:

NM_017617.5(NOTCH1):c.7145C>T (p.Thr2382Ile)

Gene: NOTCH1 (notch receptor 1; minus strand). Cytogenetic location: 9q34.3.
Variant type: single nucleotide variant.
Coding change: c.7145C>T on transcript NM_017617.5 (MANE Select); coding-DNA position 7145, C replaced by T.
Protein change: p.Thr2382Ile; replaces threonine 2382 with isoleucine.
Molecular consequence: missense variant.
Genome position (GRCh38, 1-based): chr9:136,496,594, G>A on the plus strand (C>T on the coding strand, the complement: NOTCH1 is on the minus strand). VCF-style: chr9-136496594-G-A. GRCh37 (hg19) VCF-style: chr9-139391046-G-A.
Other names: c.7145C>T, p.Thr2382Ile (LRG_1122t1); short protein forms T2382I.
Identifiers: ClinVar variation 569065 (VCV000569065.9), dbSNP rs1564567924, ClinGen allele CA375627948.

ClinVar aggregate classification (germline): Uncertain significance (1 of 4 stars; one submission).

Conditions:
Adams-Oliver syndrome 5 (AOS5). Identifiers: Orphanet 974, MedGen C4014970, MONDO:0014459, OMIM 616028.

Submission:

Labcorp Genetics (formerly Invitae), Labcorp
Classification: Uncertain significance for Adams-Oliver syndrome 5. Last evaluated: 2018-11-08. Review status: criteria provided, single submitter. Criteria: Invitae Variant Classification Sherloc (09022015). Collection method: clinical testing. Allele origin: germline.
Comment: In summary, the available evidence is currently insufficient to determine the role of this variant in disease. Therefore, it has been classified as a Variant of Uncertain Significance. This variant is not present in population databases (ExAC no frequency). This variant has not been reported in the literature in individuals with NOTCH1-related disease. Algorithms developed to predict the effect of missense changes on protein structure and function (SIFT, PolyPhen-2, Align-GVGD) all suggest that this variant is likely to be tolerated, but these predictions have not been confirmed by published functional studies and their clinical significance is uncertain. This sequence change replaces threonine with isoleucine at codon 2382 of the NOTCH1 protein (p.Thr2382Ile). The threonine residue is weakly conserved and there is a moderate physicochemical difference between threonine and isoleucine.